The following is an entry in ClinVar:

ClinVar aggregate classification (germline): Uncertain significance (1 of 4 stars; one submission).

Submission:

Labcorp Genetics (formerly Invitae), Labcorp
Classification: Uncertain significance. Last evaluated: 2025-02-17. Review status: criteria provided, single submitter. Criteria: Invitae Variant Classification Sherloc (09022015). Collection method: clinical testing. Allele origin: germline.
Comment: This sequence change replaces serine, which is neutral and polar, with leucine, which is neutral and non-polar, at codon 745 of the HMCN1 protein (p.Ser745Leu). This variant is not present in population databases (gnomAD no frequency). This variant has not been reported in the literature in individuals affected with HMCN1-related conditions. An algorithm developed to predict the effect of missense changes on protein structure and function (PolyPhen-2) suggests that this variant is likely to be disruptive. In summary, the available evidence is currently insufficient to determine the role of this variant in disease. Therefore, it has been classified as a Variant of Uncertain Significance.

NM_031935.3(HMCN1):c.2234C>T (p.Ser745Leu)

Gene: HMCN1 (hemicentin 1; plus strand). Cytogenetic location: 1q31.1.
Variant type: single nucleotide variant.
Coding change: c.2234C>T on transcript NM_031935.3 (MANE Select); coding-DNA position 2234, C replaced by T.
Protein change: p.Ser745Leu; replaces serine 745 with leucine.
Molecular consequence: missense variant.
Genome position (GRCh38, 1-based): chr1:185,970,356, C>T. VCF-style: chr1-185970356-C-T. GRCh37 (hg19) VCF-style: chr1-185939488-C-T.
Other names: short protein forms S745L.
Identifiers: ClinVar variation 4808798 (VCV004808798.1).
Genomic context (GRCh38, chr1:185,970,356, plus strand): 5'-ACTTTAGTGTTTAATGTTCTCCCCTTTGTTTTGACTTAGGAGATCTTGAGTTGAGGCCCT[C>T]AACATTCCTCATTATTGACCCTCTCTTGGGACTTTTGAAGATTCAAGAAACACAAGATCT-3'
Protein context (NP_114141.2, residues 735-755): WFKGDLELRP[Ser745Leu]TFLIIDPLLG